The following is an entry in ClinVar:

ClinVar aggregate classification (germline): Likely benign. Review status: criteria provided, multiple submitters, no conflicts (2 of 4 stars). 2 submissions from 2 submitters: Likely benign (2). Last evaluated 2026-09-15.

Conditions:
IFT88-related disorder. Also called: IFT88-related condition.

Allele frequency attached by ClinVar (database versions not stated): TOPMed 0.00005; gnomAD 0.00007; ESP Exome Variant Server 0.00008.
gnomAD v4.1: 185 of 1,611,666 alleles (0.011%); highest among the groups gnomAD compares: Non-Finnish European, 0.015%; no homozygotes.

Submissions (2):

PreventionGenetics, part of Exact Sciences
Classification: Likely benign for IFT88-related condition. Last evaluated: 2026-09-15. Review status: criteria provided, single submitter. Criteria: ACMG Guidelines, 2015. Collection method: clinical testing. Allele origin: germline.
Comment: This variant is classified as likely benign based on ACMG/AMP sequence variant interpretation guidelines (Richards et al. 2015 PMID: 25741868, with internal and published modifications).

Labcorp Genetics (formerly Invitae), Labcorp
Classification: Likely benign. Last evaluated: 2025-05-05. Review status: criteria provided, single submitter. Criteria: Invitae Variant Classification Sherloc (09022015). Collection method: clinical testing. Allele origin: germline.

NM_006531.5(IFT88):c.1752C>T (p.Thr584=)

Gene: IFT88 (intraflagellar transport 88; plus strand). Cytogenetic location: 13q12.11.
Variant type: single nucleotide variant.
Coding change: c.1752C>T on transcript NM_006531.5 (MANE Select); coding-DNA position 1752, C replaced by T.
Protein change: p.Thr584=; no amino-acid change (threonine 584 retained).
Molecular consequence: synonymous variant. On other transcripts: non-coding transcript variant (4).
Genome position (GRCh38, 1-based): chr13:20,643,524, C>T. VCF-style: chr13-20643524-C-T. GRCh37 (hg19) VCF-style: chr13-21217663-C-T.
Other names: c.1779C>T (NM_175605.4); c.1695C>T, p.Thr565= (NM_001318491.2, NM_001353575.2); c.1779C>T, p.Thr593= (NM_001318493.2, NM_001353565.2, NM_001353566.2 and 2 more transcripts); c.1752C>T, p.Thr584= (NM_001353568.2, NM_001353572.2); c.1677C>T, p.Thr559= (NM_001353569.2, NM_001353570.2, NM_001353576.2 and 1 more transcripts); c.1650C>T, p.Thr550= (NM_001353571.2, NM_001353578.2); c.1608C>T, p.Thr536= (NM_001353573.2); c.1593C>T, p.Thr531= (NM_001353574.2); and 1 more.
Identifiers: ClinVar variation 2909433 (VCV002909433.4), dbSNP rs150069350, ClinGen allele CA6905529.